The following is an entry in ClinVar:

ClinVar aggregate classification (germline): Likely benign. Review status: criteria provided, single submitter (1 of 4 stars). 2 submissions from 2 submitters: Likely benign (1). 1 of the submissions does not count toward it. Last evaluated 2025-12-16.

Conditions:
MRTFA-related disorder. Also called: MRTFA-related condition.

Allele frequency attached by ClinVar (database versions not stated): gnomAD 0.00004 and 0.00005; TOPMed 0.00006; ESP Exome Variant Server 0.00008; gnomAD exomes 0.00008; ExAC 0.00010.
gnomAD v4.1: 52 of 1,598,462 alleles (0.0033%); highest among the groups gnomAD compares: Admixed American, 0.023%; no homozygotes.

Submissions (2):

Labcorp Genetics (formerly Invitae), Labcorp
Classification: Likely benign. Last evaluated: 2025-12-16. Review status: criteria provided, single submitter. Criteria: Invitae Variant Classification Sherloc (09022015). Collection method: clinical testing. Allele origin: germline.

PreventionGenetics, part of Exact Sciences
Classification: Likely benign for MRTFA-related condition. Last evaluated: 2019-03-22. Review status: no assertion criteria provided. Collection method: clinical testing. Allele origin: germline. Not counted in ClinVar's aggregate classification.
Comment: This variant is classified as likely benign based on ACMG/AMP sequence variant interpretation guidelines (Richards et al. 2015 PMID: 25741868, with internal and published modifications).

NM_020831.6(MRTFA):c.2547C>T (p.Asp849=)

Gene: MRTFA (myocardin related transcription factor A; minus strand). Cytogenetic location: 22q13.1.
Variant type: single nucleotide variant.
Coding change: c.2547C>T on transcript NM_020831.6 (MANE Select); coding-DNA position 2547, C replaced by T.
Protein change: p.Asp849=; no amino-acid change (aspartic acid 849 retained).
Molecular consequence: synonymous variant.
Genome position (GRCh38, 1-based): chr22:40,417,017, G>A on the plus strand (C>T on the coding strand, the complement: MRTFA is on the minus strand). VCF-style: chr22-40417017-G-A. GRCh37 (hg19) VCF-style: chr22-40813021-G-A.
Other names: c.2247C>T (NM_020831.4); c.2247C>T, p.Asp749= (NM_001282660.2); c.2397C>T, p.Asp799= (NM_001282661.3); c.2547C>T, p.Asp849= (NM_001282662.3); c.2352C>T, p.Asp784= (NM_001318139.2).
Identifiers: ClinVar variation 1682944 (VCV001682944.10), dbSNP rs140747739, ClinGen allele CA10249294.